The following is an entry in ClinVar:

NM_004006.3(DMD):c.1861T>A (p.Tyr621Asn)

Gene: DMD (dystrophin; minus strand). Cytogenetic location: Xp21.1.
Variant type: single nucleotide variant.
Coding change: c.1861T>A on transcript NM_004006.3 (MANE Select); coding-DNA position 1861, T replaced by A.
Protein change: p.Tyr621Asn; replaces tyrosine 621 with asparagine.
Molecular consequence: missense variant.
Genome position (GRCh38, 1-based): chrX:32,565,833, A>T on the plus strand (T>A on the coding strand, the complement: DMD is on the minus strand). VCF-style: chrX-32565833-A-T. GRCh37 (hg19) VCF-style: chrX-32583950-A-T.
Other names: c.1837T>A, p.Tyr613Asn (NM_000109.4); c.1849T>A, p.Tyr617Asn (NM_004009.3); c.1492T>A, p.Tyr498Asn (NM_004010.3); short protein forms Y498N, Y621N, Y613N, Y617N.
Identifiers: ClinVar variation 3634859 (VCV003634859.2).

ClinVar aggregate classification (germline): Uncertain significance (1 of 4 stars; one submission).

Conditions:
Duchenne muscular dystrophy (DMD). Also called: MUSCULAR DYSTROPHY, PSEUDOHYPERTROPHIC PROGRESSIVE, DUCHENNE TYPE; Duchenne Muscular Dystrophy (DMD). Identifiers: Orphanet 98896, MedGen C0013264, MONDO:0010679, OMIM 310200.

Submission:

Labcorp Genetics (formerly Invitae), Labcorp
Classification: Uncertain significance for Duchenne muscular dystrophy. Last evaluated: 2024-07-09. Review status: criteria provided, single submitter. Criteria: Invitae Variant Classification Sherloc (09022015). Collection method: clinical testing. Allele origin: germline.
Comment: This sequence change replaces tyrosine, which is neutral and polar, with asparagine, which is neutral and polar, at codon 621 of the DMD protein (p.Tyr621Asn). This variant is not present in population databases (gnomAD no frequency). This variant has not been reported in the literature in individuals affected with DMD-related conditions. Advanced modeling of protein sequence and biophysical properties (such as structural, functional, and spatial information, amino acid conservation, physicochemical variation, residue mobility, and thermodynamic stability) performed at Invitae indicates that this missense variant is not expected to disrupt DMD protein function with a negative predictive value of 95%. In summary, the available evidence is currently insufficient to determine the role of this variant in disease. Therefore, it has been classified as a Variant of Uncertain Significance.